The following is an entry in ClinVar:

NM_000143.4(FH):c.857G>A (p.Arg286Lys)

Gene: FH (fumarate hydratase; minus strand). Cytogenetic location: 1q43.
Variant type: single nucleotide variant.
Coding change: c.857G>A on transcript NM_000143.4 (MANE Select); coding-DNA position 857, G replaced by A.
Protein change: p.Arg286Lys; replaces arginine 286 with lysine.
Molecular consequence: missense variant.
Genome position (GRCh38, 1-based): chr1:241,506,050, C>T on the plus strand (G>A on the coding strand, the complement: FH is on the minus strand). VCF-style: chr1-241506050-C-T. GRCh37 (hg19) VCF-style: chr1-241669350-C-T.
Other names: short protein forms R286K.
Identifiers: ClinVar variation 1763916 (VCV001763916.3), dbSNP rs2527322828, ClinGen allele CA345438883.

ClinVar aggregate classification (germline): Uncertain significance (1 of 4 stars; one submission).

Conditions:
Hereditary cancer-predisposing syndrome. Also called: Hereditary Cancer Syndrome; Hereditary neoplastic syndrome; Neoplastic Syndromes, Hereditary; Tumor predisposition. Identifiers: Orphanet 140162, MedGen C0027672, MeSH D009386, MONDO:0015356.

Allele frequency attached by ClinVar (database versions not stated): gnomAD exomes below 0.00001.

Submission:

Ambry Genetics
Classification: Uncertain significance for Hereditary cancer-predisposing syndrome. Last evaluated: 2026-08-14. Review status: criteria provided, single submitter. Criteria: Ambry Variant Classification Scheme 2023. Collection method: clinical testing. Allele origin: germline.
Comment: The p.R286K variant (also known as c.857G>A), located in coding exon 6 of the FH gene, results from a G to A substitution at nucleotide position 857. The arginine at codon 286 is replaced by lysine, an amino acid with highly similar properties. This amino acid position is highly conserved in available vertebrate species. In addition, this alteration is predicted to be deleterious by in silico analysis. Based on the available evidence, the clinical significance of this variant remains unclear.